The following is an entry in ClinVar:

ClinVar aggregate classification (germline): Uncertain significance (1 of 4 stars; one submission).

Allele frequency attached by ClinVar (database versions not stated): gnomAD 0.00001; gnomAD exomes 0.00001; TOPMed 0.00002; ExAC 0.00004.

Submission:

Labcorp Genetics (formerly Invitae), Labcorp
Classification: Uncertain significance. Last evaluated: 2022-01-17. Review status: criteria provided, single submitter. Criteria: Invitae Variant Classification Sherloc (09022015). Collection method: clinical testing. Allele origin: germline.
Comment: This sequence change replaces lysine, which is basic and polar, with methionine, which is neutral and non-polar, at codon 957 of the BMP1 protein (p.Lys957Met). This variant is present in population databases (rs779951286, gnomAD 0.006%). This variant has not been reported in the literature in individuals affected with BMP1-related conditions. Algorithms developed to predict the effect of missense changes on protein structure and function are either unavailable or do not agree on the potential impact of this missense change (SIFT: "Deleterious"; PolyPhen-2: "Possibly Damaging"; Align-GVGD: "Class C0"). In summary, the available evidence is currently insufficient to determine the role of this variant in disease. Therefore, it has been classified as a Variant of Uncertain Significance.

NM_006129.5(BMP1):c.2870A>T (p.Lys957Met)

Gene: BMP1 (bone morphogenetic protein 1; plus strand). Cytogenetic location: 8p21.3.
Variant type: single nucleotide variant.
Coding change: c.2870A>T on transcript NM_006129.5 (MANE Select); coding-DNA position 2870, A replaced by T.
Protein change: p.Lys957Met; replaces lysine 957 with methionine.
Molecular consequence: missense variant. On other transcripts: non-coding transcript variant (1).
Genome position (GRCh38, 1-based): chr8:22,211,637, A>T. VCF-style: chr8-22211637-A-T. GRCh37 (hg19) VCF-style: chr8-22069150-A-T.
Other names: short protein forms K957M.
Identifiers: ClinVar variation 1899615 (VCV001899615.2), dbSNP rs779951286, ClinGen allele CA4665401.